The following continues an entry in ClinVar:

NM_007294.4(BRCA1):c.1175_1214del (p.Leu392fs)

Gene: BRCA1. ClinVar aggregate classification (germline): Pathogenic. Pathogenic (1).

Submissions 10 to 17 of 31:

GeneDx
Classification: Pathogenic. Last evaluated: 2022-11-18. Review status: criteria provided, single submitter. Criteria: GeneDx Variant Classification Process June 2021. Collection method: clinical testing. Allele origin: germline. Affected: yes. Not counted in ClinVar's aggregate classification.
Comment: Frameshift variant predicted to result in protein truncation or nonsense mediated decay in a gene for which loss-of-function is a known mechanism of disease; Observed in individuals with a personal or family history consistent with pathogenic variants in this gene (Castilla et al., 1994; Simard et al. 1994; Zhang et al., 2011; Strom et al., 2015); Truncating variants in this gene are considered pathogenic by a well-established clinical consortium and/or database; Not observed at significant frequency in large population cohorts (gnomAD); Also known as 1294_1333del40 and 1294del40; This variant is associated with the following publications: (PMID: 25685387, 10923033, 27221860, 27533253, 25556971, 21324516, 26295337, 7894492, 7894491, 27225819, 30322717, 29339979, 14658222, 26681312, 25085752, 23569316, 22333603, 21080930, 20043088, 19648928)

Sema4
Classification: Pathogenic for Hereditary cancer-predisposing syndrome. Last evaluated: 2021-11-15. Review status: criteria provided, single submitter. Criteria: Sema4 Curation Guidelines. Collection method: curation. Allele origin: germline. Not counted in ClinVar's aggregate classification.
Comment: The BRCA1 c.1175_1214del (p.L392Qfs*5) variant has been reported in heterozygosity in numerous individuals with breast, ovarian, and prostate cancer (PMID: 7894491, 11179017, 20104584, 21324516, 23569316, 25556971, 29339979, 30322717, 33471991). This variant causes a frameshift at amino acid 392 that results in premature termination 5 amino acids downstream. This alteration is expected to result in loss of function by premature protein truncation or nonsense-mediated mRNA decay. Loss of function variants in BRCA1 or BRCA2 are known to be pathogenic (PMID: 29446198). It was observed in 1/113224 chromosomes of the Non-Finnish European subpopulation in the large and broad cohorts of the Genome Aggregation Database (PMID: 32461654). The variant has been reported in ClinVar (Variation ID 17665). Based on the current evidence available, this variant is interpreted as pathogenic.

National Institute of Allergy and Infectious Diseases - Centralized Sequencing Program, National Institutes of Health
Classification: Pathogenic for Hereditary breast and ovarian cancer syndrome. Last evaluated: 2021-08-06. Review status: criteria provided, single submitter. Criteria: ACMG Guidelines, 2015. Collection method: clinical testing. Allele origin: germline. Affected: yes. Not counted in ClinVar's aggregate classification.

Laboratory for Molecular Medicine, Mass General Brigham Personalized Medicine
Classification: Pathogenic for Hereditary breast ovarian cancer syndrome. Last evaluated: 2021-07-15. Review status: criteria provided, single submitter. Criteria: ACMG Guidelines, 2015. Collection method: clinical testing. Allele origin: germline. Not counted in ClinVar's aggregate classification.
Comment: The p.Leu392GlnfsX5 variant in BRCA1 has been reported in >30 individuals with BRCA1-associated cancers (Neuhausen 1996 PMID: 8571953; Castera 2014 PMID:24549055; Watson 2014 PMID:24307375; Kondrashova 2017 PMID:28588062; Trujillano 2015 PMID: 25556971; Risch 2001 PMID: 11179017, Robertson 2012 PMID: 22333603; Breast Cancer Information Core (BIC) database) and segregated with disease in multiple individuals from many families (Neuhausen 1996 PMID: 8571953). It has also been identified in 0.003% (2/68044) of European chromosomes by gnomAD (v.3.1). This frequency is low enough to be consistent with the frequency of hereditary breast and ovarian cancer (HBOC) in the general population. This variant is predicted to cause a frameshift, which alters the protein’s amino acid sequence beginning at position 392 and leads to a premature termination codon 5 amino acids downstream. This alteration is then predicted to lead to a truncated or absent protein. Heterozygous loss of function of the BRCA1 gene is an established disease mechanism in hereditary breast and ovarian cancer (HBOC). Additionally, this variant was classified as pathogenic on Apr 22, 2016 by the ClinGen-approved ENIGMA expert panel (Variation ID 17665). In summary, this variant meets criteria to be classified as pathogenic for autosomal dominant HBOC. ACMG/AMP Criteria applied: PS4, PP1_Strong, PM2_Supporting, PVS1.

Institute of Medical Genetics and Applied Genomics, University Hospital Tübingen
Classification: Pathogenic. Last evaluated: 2021-06-17. Review status: criteria provided, single submitter. Criteria: ACMG Guidelines, 2015. Collection method: clinical testing. Allele origin: germline. Inheritance: Autosomal dominant inheritance. Affected: yes. Not counted in ClinVar's aggregate classification.

Victorian Clinical Genetics Services, Murdoch Childrens Research Institute
Classification: Pathogenic for Breast-ovarian cancer, familial, susceptibility to, 1. Last evaluated: 2021-05-06. Review status: criteria provided, single submitter. Criteria: ACMG Guidelines, 2015. Collection method: clinical testing. Allele origin: germline. Inheritance: Autosomal dominant inheritance. Affected: yes. Not counted in ClinVar's aggregate classification.
Comment: Based on the classification scheme VCGS_Germline_v1.3.4, this variant is classified as Pathogenic. Following criteria are met: 0102 - Loss of function is a known mechanism of disease in this gene and is associated with a risk of breast and ovarian cancer (MIM#604370), fanconi anemia, complementation group S (MIM#617883) and other types of cancer (OMIM). (I). 0108 - This gene is associated with both recessive and dominant disease. Autosomal recessive inheritance of variants is associated with fanconi anaemia, complementation group S (MIM#617883), whilst autosomal dominant inheritance is associated with an increased risk for familial breast and/or ovarian cancer, 1 (MIM#604370), or pancreatic cancer susceptibility, 4 (MIM#614320). The gene has also been reported to be associated with increased risk for prostate and stomach cancer (PMID: 26236408). (I) 0112 - The condition associated with this gene has incomplete penetrance (OMIM, Gene Reviews). (I) 0201 - Variant is predicted to cause nonsense-mediated decay (NMD) and loss of protein (premature termination codon is located at least 54 nucleotides upstream of the final exon-exon junction). (SP) 0251 - This variant is heterozygous. (I) 0302 - Variant is present in gnomAD (v2) <0.001 for a dominant condition (2 heterozygotes, 0 homozygotes). (SP) 0701 - Multiple NMD predicted variants comparable to the one identified in this case have very strong previous evidence for pathogenicity (ClinVar, PMID: 31706072). (SP) 0801 - This variant has strong previous evidence of pathogenicity in unrelated individuals. This variant is one of the most common pathogenic BRCA1 variants reported in individuals with breast cancer (ClinVar, PMID: 31706072)). (SP) 1208 - Inheritance information for this variant is not currently available in this individual. (I) Legend: (SP) - Supporting pathogenic, (I) - Information, (SB) - Supporting benign

CHEO Genetics Diagnostic Laboratory, Children's Hospital of Eastern Ontario
Classification: Pathogenic for Breast and/or ovarian cancer. Last evaluated: 2021-04-03. Review status: criteria provided, single submitter. Criteria: ACMG Guidelines, 2015. Collection method: clinical testing. Allele origin: germline. Not counted in ClinVar's aggregate classification.

ARUP Laboratories, Molecular Genetics and Genomics, ARUP Laboratories
Classification: Pathogenic. Last evaluated: 2018-12-04. Review status: criteria provided, single submitter. Criteria: ARUP Molecular Germline Variant Investigation Process. Collection method: clinical testing. Allele origin: germline. Not counted in ClinVar's aggregate classification.
Comment: The BRCA1 c.1175_1214del; p.Leu392fs variant (rs80359874), also known as 1294del40, is reported in the literature in multiple individuals affected with breast, ovarian, or prostate cancer (Castilla 1994, Castro 2013, Liede 2000, Neuhausen 1996, Ramus 2007, Risch 2001, Robertson 2012, Zhang 2011). This variant is reported as pathogenic by numerous laboratories in ClinVar (Variation ID: 17665). It is found in the general population with a low overall allele frequency of 0.0008% (2/250822 alleles) in the Genome Aggregation Database. This variant causes a frameshift by deleting 40 nucleotides, so it is predicted to result in a truncated protein or mRNA subject to nonsense-mediated decay. Based on available information, this variant is considered to be pathogenic. REFERENCES Castilla LH et al. Mutations in the BRCA1 gene in families with early-onset breast and ovarian cancer. Nat Genet. 1994 Dec;8(4):387-91. Castro E et al. Germline BRCA mutations are associated with higher risk of nodal involvement, distant metastasis, and poor survival outcomes in prostate cancer. J Clin Oncol. 2013 May 10;31(14):1748-57. Liede A et al. Evidence of a founder BRCA1 mutation in Scotland. Br J Cancer. 2000 Feb;82(3):705-11. Neuhausen SL et al. Haplotype and phenotype analysis of six recurrent BRCA1 mutations in 61 families: results of an international study. Am J Hum Genet. 1996 Feb;58(2):271-80. Ramus SJ et al. Contribution of BRCA1 and BRCA2 mutations to inherited ovarian cancer. Hum Mutat. 2007 Dec;28(12):1207-15. Risch HA et al. Prevalence and penetrance of germline BRCA1 and BRCA2 mutations in a population series of 649 women with ovarian cancer. Am J Hum Genet. 2001 Mar;68(3):700-10. Robertson L et al. BRCA1 testing should be offered to individuals with triple-negative breast cancer diagnosed below 50 years. Br J Cancer. 2012 Mar 13;106(6):1234-8. Zhang S et al. Frequencies of BRCA1 and BRCA2 mutations among 1,342 unselected patients with invasive ovarian cancer. Gynecol Oncol. 2011 May 1;121(2):353-7.